The following is an entry in ClinVar:

ClinVar aggregate classification (germline): Uncertain significance (1 of 4 stars; one submission).

Submission:

Women's Health and Genetics/Laboratory Corporation of America, LabCorp
Classification: Uncertain significance. Last evaluated: 2025-05-01. Review status: criteria provided, single submitter. Criteria: LabCorp Variant Classification Summary - May 2015. Collection method: clinical testing. Allele origin: germline.
Comment: Variant summary: CFTR c.2846A>C (p.His949Pro) results in a non-conservative amino acid change in the encoded protein sequence. Four of four in-silico tools predict a damaging effect of the variant on protein function. The variant was absent in 251382 control chromosomes. The available data on variant occurrences in the general population are insufficient to allow any conclusion about variant significance. c.2846A>C has been observed in individual(s) affected with Pancreatic adenocarcinoma(Yin_2025), and Congenital absence of vas deferens (Yuan_2019). These report(s) do not provide unequivocal conclusions about association of the variant with Cystic Fibrosis. To our knowledge, no experimental evidence demonstrating an impact on protein function has been reported. The following publications have been ascertained in the context of this evaluation (PMID: 40044664, 30811104). No submitters have cited clinical-significance assessments for this variant to ClinVar. Based on the evidence outlined above, the variant was classified as uncertain significance.

Literature cited by the submitters: PubMed 30811104; PubMed 40044664.

NM_000492.4(CFTR):c.2846A>C (p.His949Pro)

Gene: CFTR (CF transmembrane conductance regulator; plus strand). Cytogenetic location: 7q31.2.
Variant type: single nucleotide variant.
Coding change: c.2846A>C on transcript NM_000492.4 (MANE Select); coding-DNA position 2846, A replaced by C.
Protein change: p.His949Pro; replaces histidine 949 with proline.
Molecular consequence: missense variant.
Genome position (GRCh38, 1-based): chr7:117,603,720, A>C. VCF-style: chr7-117603720-A-C. GRCh37 (hg19) VCF-style: chr7-117243774-A-C.
Other names: short protein forms H949P.
Identifiers: ClinVar variation 3902617 (VCV003902617.1).